The following is an entry in ClinVar:

ClinVar aggregate classification (germline): Uncertain significance (1 of 4 stars; one submission).

Conditions:
Hereditary cancer-predisposing syndrome. Also called: Neoplastic Syndromes, Hereditary; Hereditary Cancer Syndrome; Tumor predisposition; Hereditary neoplastic syndrome. Identifiers: Orphanet 140162, MedGen C0027672, MeSH D009386, MONDO:0015356.

Submission:

Ambry Genetics
Classification: Uncertain significance for Hereditary cancer-predisposing syndrome. Last evaluated: 2025-03-06. Review status: criteria provided, single submitter. Criteria: Ambry Variant Classification Scheme 2023. Collection method: clinical testing. Allele origin: germline.
Comment: The p.F239L variant (also known as c.715T>C), located in coding exon 6 of the ATM gene, results from a T to C substitution at nucleotide position 715. The phenylalanine at codon 239 is replaced by leucine, an amino acid with highly similar properties. This amino acid position is highly conserved in available vertebrate species. In addition, this alteration is predicted to be tolerated by in silico analysis. Based on the available evidence, the clinical significance of this variant remains unclear.

NM_000051.4(ATM):c.715T>C (p.Phe239Leu)

Gene: ATM (ATM serine/threonine kinase; plus strand). Cytogenetic location: 11q22.3.
Variant type: single nucleotide variant.
Coding change: c.715T>C on transcript NM_000051.4 (MANE Select); coding-DNA position 715, T replaced by C.
Protein change: p.Phe239Leu; replaces phenylalanine 239 with leucine.
Molecular consequence: missense variant.
Genome position (GRCh38, 1-based): chr11:108,244,840, T>C. VCF-style: chr11-108244840-T-C. GRCh37 (hg19) VCF-style: chr11-108115567-T-C.
Other names: c.715T>C, p.Phe239Leu (NM_001351834.2); short protein forms F239L.
Identifiers: ClinVar variation 3802866 (VCV003802866.1).